The following is an entry in ClinVar:

NM_001111125.3(IQSEC2):c.2947G>A (p.Asp983Asn)

Gene: IQSEC2 (IQ motif and Sec7 domain ArfGEF 2; minus strand). Cytogenetic location: Xp11.22.
Variant type: single nucleotide variant.
Coding change: c.2947G>A on transcript NM_001111125.3 (MANE Select); coding-DNA position 2947, G replaced by A.
Protein change: p.Asp983Asn; replaces aspartic acid 983 with asparagine.
Molecular consequence: missense variant.
Genome position (GRCh38, 1-based): chrX:53,241,852, C>T on the plus strand (G>A on the coding strand, the complement: IQSEC2 is on the minus strand). VCF-style: chrX-53241852-C-T. GRCh37 (hg19) VCF-style: chrX-53271034-C-T.
Other names: c.2947G>A, p.Asp983Asn (NM_001410736.1); c.2332G>A, p.Asp778Asn (NM_015075.2); short protein forms D778N, D983N.
Identifiers: ClinVar variation 3360573 (VCV003360573.1).

ClinVar aggregate classification (germline): Uncertain significance (1 of 4 stars; one submission).

Submission:

GeneDx
Classification: Uncertain significance. Last evaluated: 2023-06-29. Review status: criteria provided, single submitter. Criteria: GeneDx Variant Classification Process June 2021. Collection method: clinical testing. Allele origin: germline. Affected: yes.
Comment: Not observed at significant frequency in large population cohorts (gnomAD); In silico analysis supports that this missense variant has a deleterious effect on protein structure/function; Has not been previously published as pathogenic or benign to our knowledge